The following is an entry in ClinVar:

ClinVar aggregate classification (germline): Likely benign. Review status: criteria provided, multiple submitters, no conflicts (2 of 4 stars). 4 submissions from 4 submitters: Likely benign (3). 1 of the submissions does not count toward it. Last evaluated 2026-07-01.

Conditions:
C1QC-related disorder. Also called: C1QC-related condition.

Allele frequency attached by ClinVar (database versions not stated): TOPMed 0.00007; ExAC 0.00010; gnomAD 0.00011 and 0.00012; gnomAD exomes 0.00012; 1000 Genomes Project 30x 0.00016; 1000 Genomes Project 0.00020; ESP Exome Variant Server 0.00023.

Submissions (4):

CeGaT Center for Human Genetics Tuebingen
Classification: Likely benign. Last evaluated: 2026-07-01. Review status: criteria provided, single submitter. Criteria: CeGaT Center For Human Genetics Tuebingen Variant Classification Criteria Version 2. Collection method: clinical testing. Allele origin: germline. Affected: yes. Observed: 2 variant alleles.
Comment: C1QC: BP4, BP7

Labcorp Genetics (formerly Invitae), Labcorp
Classification: Likely benign. Last evaluated: 2026-01-11. Review status: criteria provided, single submitter. Criteria: Invitae Variant Classification Sherloc (09022015). Collection method: clinical testing. Allele origin: germline.

Blueprint Genetics
Classification: Likely benign. Last evaluated: 2024-11-07. Review status: criteria provided, single submitter. Criteria: ACMG Guidelines, 2015. Collection method: clinical testing. Allele origin: germline.

PreventionGenetics, part of Exact Sciences
Classification: Likely benign for C1QC-related condition. Last evaluated: 2024-01-05. Review status: no assertion criteria provided. Collection method: clinical testing. Allele origin: germline. Not counted in ClinVar's aggregate classification.
Comment: This variant is classified as likely benign based on ACMG/AMP sequence variant interpretation guidelines (Richards et al. 2015 PMID: 25741868, with internal and published modifications).

NM_172369.5(C1QC):c.426G>A (p.Ala142=)

Gene: C1QC (complement C1q C chain; plus strand). Cytogenetic location: 1p36.12.
Variant type: single nucleotide variant.
Coding change: c.426G>A on transcript NM_172369.5 (MANE Select); coding-DNA position 426, G replaced by A.
Protein change: p.Ala142=; no amino-acid change (alanine 142 retained).
Molecular consequence: synonymous variant.
Genome position (GRCh38, 1-based): chr1:22,647,471, G>A. VCF-style: chr1-22647471-G-A. GRCh37 (hg19) VCF-style: chr1-22973964-G-A.
Other names: c.426G>A, p.Ala142= (NM_001114101.3, NM_001347619.2); c.159G>A, p.Ala53= (NM_001347620.2); c.426G>A (NM_172369.4).
Identifiers: ClinVar variation 1587875 (VCV001587875.34), dbSNP rs141293786, ClinGen allele CA677974.
Genomic context (GRCh38, chr1:22,647,471, plus strand): 5'-CACGGTCACTCGGCAGACCCACCAGCCCCCTGCACCCAACAGCCTGATCAGATTCAACGC[G>A]GTCCTCACCAACCCGCAGGGAGATTATGACACGAGCACTGGCAAGTTCACCTGCAAAGTC-3'
Protein context (NP_758957.2, residues 132-152): PAPNSLIRFN[Ala142=]VLTNPQGDYD